The following is an entry in ClinVar:

ClinVar aggregate classification (germline): Uncertain significance. Review status: criteria provided, multiple submitters, no conflicts (2 of 4 stars). 3 submissions from 3 submitters: Uncertain significance (3). Last evaluated 2025-11-23.

Conditions:
Cardiovascular phenotype. Identifiers: MedGen CN230736.
Hereditary cancer-predisposing syndrome. Also called: Tumor predisposition; Neoplastic Syndromes, Hereditary; Hereditary Cancer Syndrome; Hereditary neoplastic syndrome. Identifiers: Orphanet 140162, MedGen C0027672, MeSH D009386, MONDO:0015356.
Neurofibromatosis, type 1 (NF1). Also called: NEUROFIBROMATOSIS, TYPE I, SOMATIC; VON RECKLINGHAUSEN DISEASE; Neurofibromatosis, type I; Peripheral type neurofibromatosis. Identifiers: Orphanet 636, MedGen C0027831, MONDO:0018975, OMIM 162200. Disease mechanism: loss of function.

Allele frequency attached by ClinVar (database versions not stated): gnomAD exomes below 0.00001; TOPMed below 0.00001; gnomAD 0.00001.
gnomAD v4.1: 5 of 1,612,786 alleles (0.00031%); highest among the groups gnomAD compares: Non-Finnish European, 0.00042%; no homozygotes.

Submissions (3):

Labcorp Genetics (formerly Invitae), Labcorp
Classification: Uncertain significance for Neurofibromatosis, type 1. Last evaluated: 2025-11-23. Review status: criteria provided, single submitter. Criteria: Invitae Variant Classification Sherloc (09022015). Collection method: clinical testing. Allele origin: germline.
Comment: This sequence change falls in intron 21 of the NF1 gene. It does not directly change the encoded amino acid sequence of the NF1 protein. It affects a nucleotide within the consensus splice site. This variant is not present in population databases (gnomAD no frequency). This variant has not been reported in the literature in individuals affected with NF1-related conditions. ClinVar contains an entry for this variant (Variation ID: 485962). Variants that disrupt the consensus splice site are a relatively common cause of aberrant splicing (PMID: 17576681, 9536098). Algorithms developed to predict the effect of sequence changes on RNA splicing suggest that this variant is not likely to affect RNA splicing. In summary, the available evidence is currently insufficient to determine the role of this variant in disease. Therefore, it has been classified as a Variant of Uncertain Significance.

Ambry Genetics
Classification: Uncertain significance for Cardiovascular phenotype; Hereditary cancer-predisposing syndrome. Last evaluated: 2023-08-02. Review status: criteria provided, single submitter. Criteria: Ambry Variant Classification Scheme 2023. Collection method: clinical testing. Allele origin: germline.
Comment: The c.2850+5A>T intronic variant results from an A to T substitution 5 nucleotides after coding exon 21 in the NF1 gene. This nucleotide position is well conserved in available vertebrate species. In silico splice site analysis predicts that this alteration will not have any significant effect on splicing. Since supporting evidence is limited at this time, the clinical significance of this alteration remains unclear.

Genome-Nilou Lab
Classification: Uncertain significance for Neurofibromatosis, type 1. Last evaluated: 2022-03-15. Review status: criteria provided, single submitter. Criteria: ACMG Guidelines, 2015. Collection method: clinical testing. Allele origin: germline. Affected: no.

Literature cited by the submitters: PubMed 17576681 (cited by Labcorp Genetics (formerly Invitae), Labcorp); PubMed 9536098 (cited by Labcorp Genetics (formerly Invitae), Labcorp).

NM_001042492.3(NF1):c.2850+5A>T

Gene: NF1 (neurofibromin 1; plus strand). Cytogenetic location: 17q11.2.
Variant type: single nucleotide variant.
Coding change: c.2850+5A>T on transcript NM_001042492.3 (MANE Select); 5 bases into the intron after coding-DNA position 2850, A replaced by T.
Molecular consequence: intron variant.
Genome position (GRCh38, 1-based): chr17:31,229,470, A>T. VCF-style: chr17-31229470-A-T. GRCh37 (hg19) VCF-style: chr17-29556488-A-T.
Other names: c.2850+5A>T (NM_000267.4).
Identifiers: ClinVar variation 485962 (VCV000485962.12), dbSNP rs864622633, ClinGen allele CA658656546.